The following is an entry in ClinVar:

NM_001197104.2(KMT2A):c.9440C>G (p.Ser3147Cys)

Gene: KMT2A (lysine methyltransferase 2A; plus strand). Cytogenetic location: 11q23.3.
Variant type: single nucleotide variant.
Coding change: c.9440C>G on transcript NM_001197104.2 (MANE Select); coding-DNA position 9440, C replaced by G.
Protein change: p.Ser3147Cys; replaces serine 3147 with cysteine.
Molecular consequence: missense variant.
Genome position (GRCh38, 1-based): chr11:118,505,332, C>G. VCF-style: chr11-118505332-C-G. GRCh37 (hg19) VCF-style: chr11-118376047-C-G.
Other names: c.9530C>G, p.Ser3177Cys (NM_001412597.1); c.9431C>G, p.Ser3144Cys (NM_005933.4); short protein forms S3144C, S3177C, S3147C.
Identifiers: ClinVar variation 2092484 (VCV002092484.4), dbSNP rs1950562472, ClinGen allele CA382820502.

ClinVar aggregate classification (germline): Uncertain significance (1 of 4 stars; one submission).

Submission:

Labcorp Genetics (formerly Invitae), Labcorp
Classification: Uncertain significance. Last evaluated: 2022-05-08. Review status: criteria provided, single submitter. Criteria: Invitae Variant Classification Sherloc (09022015). Collection method: clinical testing. Allele origin: germline.
Comment: In summary, the available evidence is currently insufficient to determine the role of this variant in disease. Therefore, it has been classified as a Variant of Uncertain Significance. Algorithms developed to predict the effect of missense changes on protein structure and function are either unavailable or do not agree on the potential impact of this missense change (SIFT: "Deleterious"; PolyPhen-2: "Possibly Damaging"; Align-GVGD: "Class C0"). This variant has not been reported in the literature in individuals affected with KMT2A-related conditions. This variant is not present in population databases (gnomAD no frequency). This sequence change replaces serine, which is neutral and polar, with cysteine, which is neutral and slightly polar, at codon 3147 of the KMT2A protein (p.Ser3147Cys).